The following is an entry in ClinVar:

ClinVar aggregate classification (germline): Likely benign (1 of 4 stars; one submission).

Conditions:
Catecholaminergic polymorphic ventricular tachycardia (CVPT). Also called: Catecholamine-induced polymorphic ventricular tachycardia. Identifiers: Orphanet 3286, MedGen C5574922, MONDO:0017990.

Allele frequency attached by ClinVar (database versions not stated): gnomAD exomes below 0.00001.
gnomAD v4.1: 1 of 1,566,384 alleles (0.000064%); highest among the groups gnomAD compares: Non-Finnish European, 0.000087%; no homozygotes.

Submission:

All of Us Research Program, National Institutes of Health
Classification: Likely benign for Catecholaminergic polymorphic ventricular tachycardia. Last evaluated: 2023-04-03. Review status: criteria provided, single submitter. Criteria: ACMG Guidelines, 2015. Collection method: clinical testing. Allele origin: germline. Inheritance: Autosomal dominant inheritance. Observed: 1 variant allele, 1 heterozygote.
Comment: This study involves interpretation of variants in research participants for the purpose of population health screening. Participant phenotype was not available at the time of variant classification. Additional details can be found in publication PMID: 35346344, PMCID: PMC8962531

NM_001035.3(RYR2):c.14616A>G (p.Glu4872=)

Gene: RYR2 (ryanodine receptor 2; plus strand). Cytogenetic location: 1q43.
Variant type: single nucleotide variant.
Coding change: c.14616A>G on transcript NM_001035.3 (MANE Select); coding-DNA position 14616, A replaced by G.
Protein change: p.Glu4872=; no amino-acid change (glutamic acid 4872 retained).
Molecular consequence: synonymous variant.
Genome position (GRCh38, 1-based): chr1:237,828,406, A>G. VCF-style: chr1-237828406-A-G. GRCh37 (hg19) VCF-style: chr1-237991706-A-G.
Identifiers: ClinVar variation 3070043 (VCV003070043.1), dbSNP rs2528438243, ClinGen allele CA424051875.
Genomic context (GRCh38, chr1:237,828,406, plus strand): 5'-GATAAAGATTAAATTGTGTTTTTATTTAACACCAGGTCTAATTATTGATGCTTTTGGAGA[A>G]CTAAGAGACCAACAGGAACAAGTCAAAGAAGACATGGAGGTAAGCTTCTCCATTCATGAC-3'
Protein context (NP_001026.2, residues 4862-4882): IQGLIIDAFG[Glu4872=]LRDQQEQVKE